The following is an entry in ClinVar:

NM_005732.4(RAD50):c.1139T>C (p.Leu380Ser)

Gene: RAD50 (RAD50 double strand break repair protein; plus strand). Cytogenetic location: 5q31.1.
Variant type: single nucleotide variant.
Coding change: c.1139T>C on transcript NM_005732.4 (MANE Select); coding-DNA position 1139, T replaced by C.
Protein change: p.Leu380Ser; replaces leucine 380 with serine.
Molecular consequence: missense variant.
Genome position (GRCh38, 1-based): chr5:132,588,774, T>C. VCF-style: chr5-132588774-T-C. GRCh37 (hg19) VCF-style: chr5-131924466-T-C.
Other names: short protein forms L380S.
Identifiers: ClinVar variation 2076129 (VCV002076129.4), dbSNP rs2479634645, ClinGen allele CA360942622.
Genomic context (GRCh38, chr5:132,588,774, plus strand): 5'-ATCAAGAACATATCCGAGCTAGAGATTCATTAATTCAGTCTTTGGCAACACAGCTAGAAT[T>C]GGATGGCTTTGAGCGTGGACCATTCAGTGAAAGACAGATTAAAAATTTTCACAAACTTGT-3'
Protein context (NP_005723.2, residues 370-390): LIQSLATQLE[Leu380Ser]DGFERGPFSE

ClinVar aggregate classification (germline): Uncertain significance (1 of 4 stars; one submission).

Conditions:
Hereditary cancer-predisposing syndrome. Also called: Hereditary Cancer Syndrome; Tumor predisposition; Hereditary neoplastic syndrome; Neoplastic Syndromes, Hereditary. Identifiers: Orphanet 140162, MedGen C0027672, MeSH D009386, MONDO:0015356.

Allele frequency attached by ClinVar (database versions not stated): gnomAD exomes below 0.00001.

Submission:

Labcorp Genetics (formerly Invitae), Labcorp
Classification: Uncertain significance for Hereditary cancer-predisposing syndrome. Last evaluated: 2022-01-06. Review status: criteria provided, single submitter. Criteria: Invitae Variant Classification Sherloc (09022015). Collection method: clinical testing. Allele origin: germline.
Comment: This sequence change replaces leucine, which is neutral and non-polar, with serine, which is neutral and polar, at codon 380 of the RAD50 protein (p.Leu380Ser). This variant is not present in population databases (gnomAD no frequency). This variant has not been reported in the literature in individuals affected with RAD50-related conditions. Algorithms developed to predict the effect of missense changes on protein structure and function (SIFT, PolyPhen-2, Align-GVGD) all suggest that this variant is likely to be disruptive. In summary, the available evidence is currently insufficient to determine the role of this variant in disease. Therefore, it has been classified as a Variant of Uncertain Significance.